The following is an entry in ClinVar:

NM_025215.6(PUS1):c.116G>A (p.Gly39Glu)

Genes: PUS1 (pseudouridine synthase 1; plus strand), LOC130009240 (ATAC-STARR-seq lymphoblastoid silent region 5107; plus strand). Cytogenetic location: 12q24.33.
Variant type: single nucleotide variant.
Coding change: c.116G>A on transcript NM_025215.6 (MANE Select); coding-DNA position 116, G replaced by A.
Protein change: p.Gly39Glu; replaces glycine 39 with glutamic acid.
Molecular consequence: missense variant.
Genome position (GRCh38, 1-based): chr12:131,929,948, G>A. VCF-style: chr12-131929948-G-A. GRCh37 (hg19) VCF-style: chr12-132414493-G-A.
Other names: c.32G>A, p.Gly11Glu (NM_001002019.3, NM_001002020.3); c.116G>A (NM_025215.5); short protein forms G39E, G11E.
Identifiers: ClinVar variation 2070118 (VCV002070118.3), dbSNP rs199950927, ClinGen allele CA6884004.

ClinVar aggregate classification (germline): Uncertain significance. Review status: criteria provided, multiple submitters, no conflicts (2 of 4 stars). 2 submissions from 2 submitters: Uncertain significance (2). Last evaluated 2025-06-18.

Conditions:
Inborn genetic diseases. Identifiers: MedGen C0950123, MeSH D030342.

Allele frequency attached by ClinVar (database versions not stated): ExAC 0.00005; gnomAD 0.00005; TOPMed 0.00008; 1000 Genomes Project 0.00020; 1000 Genomes Project 30x 0.00031.

Submissions (2):

Ambry Genetics
Classification: Uncertain significance for Inborn genetic diseases. Last evaluated: 2025-06-18. Review status: criteria provided, single submitter. Criteria: Ambry Variant Classification Scheme 2023. Collection method: clinical testing. Allele origin: germline.

Labcorp Genetics (formerly Invitae), Labcorp
Classification: Uncertain significance. Last evaluated: 2024-02-05. Review status: criteria provided, single submitter. Criteria: Invitae Variant Classification Sherloc (09022015). Collection method: clinical testing. Allele origin: germline.
Comment: This sequence change replaces glycine, which is neutral and non-polar, with glutamic acid, which is acidic and polar, at codon 39 of the PUS1 protein (p.Gly39Glu). This variant is present in population databases (rs199950927, gnomAD 0.02%). This variant has not been reported in the literature in individuals affected with PUS1-related conditions. ClinVar contains an entry for this variant (Variation ID: 2070118). An algorithm developed to predict the effect of missense changes on protein structure and function (PolyPhen-2) suggests that this variant¬†is likely to be tolerated. In summary, the available evidence is currently insufficient to determine the role of this variant in disease. Therefore, it has been classified as a Variant of Uncertain Significance.